The following is an entry in ClinVar:

NM_000052.7(ATP7A):c.2197A>G (p.Ile733Val)

Gene: ATP7A (ATPase copper transporting alpha; plus strand). Cytogenetic location: Xq21.1.
Variant type: single nucleotide variant.
Coding change: c.2197A>G on transcript NM_000052.7 (MANE Select); coding-DNA position 2197, A replaced by G.
Protein change: p.Ile733Val; replaces isoleucine 733 with valine.
Molecular consequence: missense variant. On other transcripts: intron variant (1).
Genome position (GRCh38, 1-based): chrX:78,012,903, A>G. VCF-style: chrX-78012903-A-G. GRCh37 (hg19) VCF-style: chrX-77268400-A-G.
Other names: c.2172+1229A>G (NM_001282224.2); short protein forms I733V.
Identifiers: ClinVar variation 3751006 (VCV003751006.2).

ClinVar aggregate classification (germline): Uncertain significance (1 of 4 stars; one submission).

Conditions:
Menkes kinky-hair syndrome (MNK). Also called: Copper transport disease; Menkes Disease; Classic Menkes Disease. Identifiers: Orphanet 565, MedGen C0022716, MONDO:0010651, OMIM 309400.
X-linked distal spinal muscular atrophy type 3. Also called: ATP7A-Related Distal Motor Neuropathy; SPINAL MUSCULAR ATROPHY, DISTAL, X-LINKED RECESSIVE; NEURONOPATHY, DISTAL HEREDITARY MOTOR, X-LINKED; NEUROPATHY, DISTAL HEREDITARY MOTOR, X-LINKED. Identifiers: Orphanet 139557, MedGen C1845359, MONDO:0010338, OMIM 300489.
Cutis laxa, X-linked (OHS). Also called: EDS IX; Occipital horn syndrome. Identifiers: Orphanet 198, MedGen C0268353, MONDO:0010572, OMIM 304150.

gnomAD v4.1: 1 of 1,209,279 alleles (0.000083%); highest among the groups gnomAD compares: Non-Finnish European, 0.00011%; no homozygotes.

Submission:

Labcorp Genetics (formerly Invitae), Labcorp
Classification: Uncertain significance for X-linked distal spinal muscular atrophy type 3; Cutis laxa, X-linked; Menkes kinky-hair syndrome. Last evaluated: 2024-08-27. Review status: criteria provided, single submitter. Criteria: Invitae Variant Classification Sherloc (09022015). Collection method: clinical testing. Allele origin: germline.
Comment: This sequence change replaces isoleucine, which is neutral and non-polar, with valine, which is neutral and non-polar, at codon 733 of the ATP7A protein (p.Ile733Val). This variant is not present in population databases (gnomAD no frequency). This variant has not been reported in the literature in individuals affected with ATP7A-related conditions. Invitae Evidence Modeling of protein sequence and biophysical properties (such as structural, functional, and spatial information, amino acid conservation, physicochemical variation, residue mobility, and thermodynamic stability) indicates that this missense variant is not expected to disrupt ATP7A protein function with a negative predictive value of 95%. In summary, the available evidence is currently insufficient to determine the role of this variant in disease. Therefore, it has been classified as a Variant of Uncertain Significance.